The following is an entry in ClinVar:

ClinVar aggregate classification (germline): Conflicting classifications of pathogenicity. Review status: criteria provided, conflicting classifications (1 of 4 stars). 6 submissions from 6 submitters: Uncertain significance (4); Likely benign (1). 1 of the submissions does not count toward it. Last evaluated 2025-12-19.

Conditions:
SLC27A5-related disorder. Also called: SLC27A5-related condition.

Allele frequency attached by ClinVar (database versions not stated): ESP Exome Variant Server 0.00016; 1000 Genomes Project 0.00040; gnomAD exomes 0.00040 and 0.00050; gnomAD 0.00041 and 0.00047; TOPMed 0.00052; ExAC 0.00060; 1000 Genomes Project 30x 0.00062.
gnomAD v4.1: 656 of 1,605,002 alleles (0.041%); highest among the groups gnomAD compares: Admixed American, 0.15%; no homozygotes.

Submissions (6):

Labcorp Genetics (formerly Invitae), Labcorp
Classification: Likely benign. Last evaluated: 2025-12-19. Review status: criteria provided, single submitter. Criteria: Invitae Variant Classification Sherloc (09022015). Collection method: clinical testing. Allele origin: germline.

Ambry Genetics
Classification: Uncertain significance. Last evaluated: 2023-04-20. Review status: criteria provided, single submitter. Criteria: Ambry Variant Classification Scheme 2023. Collection method: clinical testing. Allele origin: germline.

Mayo Clinic Laboratories, Mayo Clinic
Classification: Uncertain significance. Last evaluated: 2022-11-21. Review status: criteria provided, single submitter. Criteria: ACMG Guidelines, 2015. Collection method: clinical testing. Allele origin: germline. Observed: 2 variant alleles.
Comment: BP4

Eurofins Ntd Llc (ga)
Classification: Uncertain significance. Last evaluated: 2018-06-08. Review status: criteria provided, single submitter. Criteria: EGL ClinVar v180209 classification definitions. Collection method: clinical testing. Allele origin: germline. Observed: 6 variant alleles, 6 heterozygotes.

Breakthrough Genomics
Classification: Uncertain significance. Review status: criteria provided, single submitter. Criteria: ACMG Guidelines, 2015. Collection method: not provided. Allele origin: germline. Inheritance: Autosomal dominant inheritance. Affected: yes.

PreventionGenetics, part of Exact Sciences
Classification: Likely benign for SLC27A5-related condition. Last evaluated: 2022-09-20. Review status: no assertion criteria provided. Collection method: clinical testing. Allele origin: germline. Not counted in ClinVar's aggregate classification.
Comment: This variant is classified as likely benign based on ACMG/AMP sequence variant interpretation guidelines (Richards et al. 2015 PMID: 25741868, with internal and published modifications).

NM_012254.3(SLC27A5):c.524C>T (p.Thr175Ile)

Gene: SLC27A5 (solute carrier family 27 member 5; minus strand). Cytogenetic location: 19q13.43.
Variant type: single nucleotide variant.
Coding change: c.524C>T on transcript NM_012254.3 (MANE Select); coding-DNA position 524, C replaced by T.
Protein change: p.Thr175Ile; replaces threonine 175 with isoleucine.
Molecular consequence: missense variant. On other transcripts: intron variant (1).
Genome position (GRCh38, 1-based): chr19:58,511,432, G>A on the plus strand (C>T on the coding strand, the complement: SLC27A5 is on the minus strand). VCF-style: chr19-58511432-G-A. GRCh37 (hg19) VCF-style: chr19-59022799-G-A.
Other names: p.Thr175Ile; c.436+88C>T (NM_001321196.2); c.524C>T (NM_012254.2); short protein forms T175I.
Identifiers: ClinVar variation 288697 (VCV000288697.15), dbSNP rs150780205, ClinGen allele CA9718266.